The following is an entry in ClinVar:

ClinVar aggregate classification (germline): Likely pathogenic (1 of 4 stars; one submission).

Conditions:
Primary ciliary dyskinesia 30. Also called: CILIARY DYSKINESIA, PRIMARY, 30, WITH OR WITHOUT SITUS INVERSUS. Identifiers: Orphanet 244, MedGen C4015016, MONDO:0014465, OMIM 616037.

gnomAD v4.1: 10 of 1,613,260 alleles (0.00062%); highest among the groups gnomAD compares: Non-Finnish European, 0.00076%; no homozygotes.

Submission:

First Genomix Gene Laboratory, Genetic Diagnostics Department
Classification: Likely pathogenic for Primary ciliary dyskinesia 30. Last evaluated: 2025-01-20. Review status: criteria provided, single submitter. Criteria: ACMG Guidelines, 2015. Collection method: clinical testing. Allele origin: germline. Inheritance: Autosomal recessive inheritance. Affected: no. Observed: 1 variant allele.

NM_145045.5(ODAD3):c.1471C>T (p.Gln491Ter)

Gene: ODAD3 (outer dynein arm docking complex subunit 3; minus strand). Cytogenetic location: 19p13.2.
Variant type: single nucleotide variant.
Coding change: c.1471C>T on transcript NM_145045.5 (MANE Select); coding-DNA position 1471, C replaced by T.
Protein change: p.Gln491Ter; replaces glutamine 491 with a stop codon.
Molecular consequence: nonsense.
Genome position (GRCh38, 1-based): chr19:11,421,796, G>A on the plus strand (C>T on the coding strand, the complement: ODAD3 is on the minus strand). VCF-style: chr19-11421796-G-A. GRCh37 (hg19) VCF-style: chr19-11532464-G-A.
Other names: c.1309C>T, p.Gln437Ter (NM_001302453.1); c.1291C>T, p.Gln431Ter (NM_001302454.2); short protein forms Q431*, Q437*, Q491*.
Identifiers: ClinVar variation 4845714 (VCV004845714.1).